The following is an entry in ClinVar:

NM_005045.4(RELN):c.864G>A (p.Lys288=)

Gene: RELN (reelin; minus strand). Cytogenetic location: 7q22.1.
Variant type: single nucleotide variant.
Coding change: c.864G>A on transcript NM_005045.4 (MANE Select); coding-DNA position 864, G replaced by A.
Protein change: p.Lys288=; no amino-acid change (lysine 288 retained).
Molecular consequence: synonymous variant.
Genome position (GRCh38, 1-based): chr7:103,700,948, C>T on the plus strand (G>A on the coding strand, the complement: RELN is on the minus strand). VCF-style: chr7-103700948-C-T. GRCh37 (hg19) VCF-style: chr7-103341395-C-T.
Other names: c.864G>A, p.Lys288= (NM_173054.3).
Identifiers: ClinVar variation 388905 (VCV000388905.1), dbSNP rs1057523268, ClinGen allele CA16605200.

ClinVar aggregate classification (germline): Likely benign (1 of 4 stars; one submission).

Submission:

GeneDx
Classification: Likely benign. Last evaluated: 2016-09-01. Review status: criteria provided, single submitter. Criteria: GeneDx Variant Classification (06012015). Collection method: clinical testing. Allele origin: germline. Affected: yes.
Comment: This variant is considered likely benign or benign based on one or more of the following criteria: it is a conservative change, it occurs at a poorly conserved position in the protein, it is predicted to be benign by multiple in silico algorithms, and/or has population frequency not consistent with disease.